The following is an entry in ClinVar:

ClinVar aggregate classification (germline): Likely pathogenic (1 of 4 stars; one submission).

Conditions:
Inborn genetic diseases. Identifiers: MedGen C0950123, MeSH D030342.

Submission:

Ambry Genetics
Classification: Likely pathogenic for Inborn genetic diseases. Last evaluated: 2025-04-23. Review status: criteria provided, single submitter. Criteria: Ambry Variant Classification Scheme 2023. Collection method: clinical testing. Allele origin: germline.
Comment: The c.1702G>A (p.E568K) alteration is located in exon 18 (coding exon 17) of the TCF4 gene. This alteration results from a G to A substitution at nucleotide position 1702, causing the glutamic acid (E) at amino acid position 568 to be replaced by a lysine (K). This variant was not reported in population-based cohorts in the Genome Aggregation Database (gnomAD). This amino acid position is highly conserved in available vertebrate species. This missense alteration is located in a region that has a low rate of benign missense variation (Lek, 2016; Firth, 2009). This alteration is predicted to be deleterious by in silico analysis. Based on the available evidence, this alteration is classified as likely pathogenic.

NM_001083962.2(TCF4):c.1702G>A (p.Glu568Lys)

Gene: TCF4 (transcription factor 4; minus strand). Cytogenetic location: 18q21.2.
Variant type: single nucleotide variant.
Coding change: c.1702G>A on transcript NM_001083962.2 (MANE Select); coding-DNA position 1702, G replaced by A.
Protein change: p.Glu568Lys; replaces glutamic acid 568 with lysine.
Molecular consequence: missense variant.
Genome position (GRCh38, 1-based): chr18:55,229,024, C>T on the plus strand (G>A on the coding strand, the complement: TCF4 is on the minus strand). VCF-style: chr18-55229024-C-T. GRCh37 (hg19) VCF-style: chr18-52896255-C-T.
Other names: c.2008G>A, p.Glu670Lys (NM_001243226.3); c.1630G>A, p.Glu544Lys (NM_001243227.2, NM_001348217.1, NM_001348218.2 and 1 more transcripts); c.1720G>A, p.Glu574Lys (NM_001243228.2); c.1681G>A, p.Glu561Lys (NM_001243230.2); c.1564G>A, p.Glu522Lys (NM_001243231.2); c.1489G>A, p.Glu497Lys (NM_001243232.1); c.1300G>A, p.Glu434Lys (NM_001243233.2, NM_001348212.2); c.1222G>A, p.Glu408Lys (NM_001243234.2, NM_001348216.2); and 14 more; short protein forms E403K, E493K, E522K, E539K, E564K, E567K, E574K, E352K.
Identifiers: ClinVar variation 3805084 (VCV003805084.2).